The following is an entry in ClinVar:

ClinVar aggregate classification (germline): Uncertain significance (1 of 4 stars; one submission).

Conditions:
Familial thoracic aortic aneurysm and aortic dissection (TAAD). Also called: Thoracic aortic aneurysms and dissections. Identifiers: Orphanet 91387, MedGen C4707243, MONDO:0019625.

Submission:

Ambry Genetics
Classification: Uncertain significance for Familial thoracic aortic aneurysm and aortic dissection. Last evaluated: 2023-12-30. Review status: criteria provided, single submitter. Criteria: Ambry Variant Classification Scheme 2023. Collection method: clinical testing. Allele origin: germline.
Comment: The p.E906V variant (also known as c.2717A>T), located in coding exon 20 of the MED12 gene, results from an A to T substitution at nucleotide position 2717. The glutamic acid at codon 906 is replaced by valine, an amino acid with dissimilar properties. This amino acid position is conserved. In addition, this alteration is predicted to be deleterious by in silico analysis. Since supporting evidence is limited at this time, the clinical significance of this alteration remains unclear.

NM_005120.3(MED12):c.2717A>T (p.Glu906Val)

Gene: MED12 (mediator complex subunit 12; plus strand). Cytogenetic location: Xq13.1.
Variant type: single nucleotide variant.
Coding change: c.2717A>T on transcript NM_005120.3 (MANE Select); coding-DNA position 2717, A replaced by T.
Protein change: p.Glu906Val; replaces glutamic acid 906 with valine.
Molecular consequence: missense variant.
Genome position (GRCh38, 1-based): chrX:71,127,000, A>T. VCF-style: chrX-71127000-A-T. GRCh37 (hg19) VCF-style: chrX-70346850-A-T.
Other names: short protein forms E906V.
Identifiers: ClinVar variation 3224576 (VCV003224576.1), dbSNP rs2147797770, ClinGen allele CA413516092.
Genomic context (GRCh38, chrX:71,127,000, plus strand): 5'-GCATTTCTCACCCCCGTTTACTCTGCTAGCTGCTGAATGAACTGAGTGTAGTTGAGGCTG[A>T]GCTGCTTCTCAAATCCTCGGATCTGGTGGGCAGCTACACTACTAGCCTGTGCCTGTGCAT-3'
Protein context (NP_005111.2, residues 896-916): LLNELSVVEA[Glu906Val]LLLKSSDLVG